The following is an entry in ClinVar:

NM_002470.4(MYH3):c.5770_5771del (p.Lys1924fs)

Gene: MYH3 (myosin heavy chain 3; minus strand). Cytogenetic location: 17p13.1.
Variant type: Deletion.
Coding change: c.5770_5771del on transcript NM_002470.4 (MANE Select); coding-DNA positions 5770 to 5771, 2 bases deleted (AA; older notation c.5770_5771delAA).
Protein change: p.Lys1924fs; shifts the reading frame from lysine 1924.
Molecular consequence: frameshift variant.
Genome position (GRCh38, 1-based): chr17:10,629,622-10,629,623, TT deleted on the plus strand (AA on the coding strand, the reverse complement: MYH3 is on the minus strand). VCF-style (leftmost placement, unchanged base first): chr17-10629621-CTT-C. GRCh37 (hg19) VCF-style: chr17-10532938-CTT-C.
Other names: short protein forms K1924fs.
Identifiers: ClinVar variation 2018605 (VCV002018605.4), dbSNP rs2508558868, ClinGen allele CA2580092496.
Genomic context (GRCh38, chr17:10,629,621, plus strand): 5'-CCCTGGGGGGGGGCTCCTCCCAGCTCAGCGACTCACCCTGCTGGAGGTGAAGTCTCGAGT[CTT>C]AGCGCGGAGCTTGTTGACTTGAGATTCTGCGATATCCGCACGTTCCTCGGCCTCCTCCAG-3'

ClinVar aggregate classification (germline): Uncertain significance (1 of 4 stars; one submission).

Submission:

Labcorp Genetics (formerly Invitae), Labcorp
Classification: Uncertain significance. Last evaluated: 2022-07-21. Review status: criteria provided, single submitter. Criteria: Invitae Variant Classification Sherloc (09022015). Collection method: clinical testing. Allele origin: germline.
Comment: In summary, the available evidence is currently insufficient to determine the role of this variant in disease. Therefore, it has been classified as a Variant of Uncertain Significance. Experimental studies and prediction algorithms are not available or were not evaluated, and the functional significance of this variant is currently unknown. This variant has not been reported in the literature in individuals affected with MYH3-related conditions. This variant is not present in population databases (gnomAD no frequency). This sequence change creates a premature translational stop signal (p.Lys1924Aspfs*15) in the MYH3 gene. While this is not anticipated to result in nonsense mediated decay, it is expected to disrupt the last 17 amino acid(s) of the MYH3 protein.